The following is an entry in ClinVar:

ClinVar aggregate classification (germline): Likely benign (1 of 4 stars; one submission).

Submission:

Mayo Clinic Laboratories, Mayo Clinic
Classification: Likely benign. Last evaluated: 2025-01-22. Review status: criteria provided, single submitter. Criteria: ACMG Guidelines, 2015. Collection method: clinical testing. Allele origin: germline. Observed: 1 variant allele.
Comment: BP4, BP7

NM_001195248.2(APTX):c.276A>G (p.Glu92=)

Gene: APTX (aprataxin; minus strand). Cytogenetic location: 9p21.1.
Variant type: single nucleotide variant.
Coding change: c.276A>G on transcript NM_001195248.2 (MANE Select); coding-DNA position 276, A replaced by G.
Protein change: p.Glu92=; no amino-acid change (glutamic acid 92 retained).
Molecular consequence: synonymous variant. On other transcripts: non-coding transcript variant (3), intron variant (5).
Genome position (GRCh38, 1-based): chr9:32,987,751, T>C on the plus strand (A>G on the coding strand, the complement: APTX is on the minus strand). VCF-style: chr9-32987751-T-C. GRCh37 (hg19) VCF-style: chr9-32987749-T-C.
Other names: p.Glu92=; c.276A>G, p.Glu92= (NM_175073.3, NM_001195249.2, NM_001195251.2 and 6 more transcripts); c.134-20A>G (NM_001369001.1, NM_001369000.1, NM_001195250.2 and 1 more transcripts); c.267+9A>G (NM_001195252.2); c.12A>G, p.Glu4= (NM_001369002.1, NM_001369003.1, NM_001369004.1 and 5 more transcripts).
Identifiers: ClinVar variation 4683390 (VCV004683390.1).